The following is an entry in ClinVar:

ClinVar aggregate classification (germline): Uncertain significance (1 of 4 stars; one submission).

gnomAD v4.1: 6 of 1,613,596 alleles (0.00037%); highest among the groups gnomAD compares: African/African-American, 0.0013%; no homozygotes.

Submission:

Labcorp Genetics (formerly Invitae), Labcorp
Classification: Uncertain significance. Last evaluated: 2025-05-19. Review status: criteria provided, single submitter. Criteria: Invitae Variant Classification Sherloc (09022015). Collection method: clinical testing. Allele origin: germline.
Comment: This sequence change falls in intron 97 of the COL7A1 gene. It does not directly change the encoded amino acid sequence of the COL7A1 protein. It affects a nucleotide within the consensus splice site. This variant is present in population databases (no rsID available, gnomAD 0.0009%). This variant has not been reported in the literature in individuals affected with COL7A1-related conditions. ClinVar contains an entry for this variant (Variation ID: 3716361). Variants that disrupt the consensus splice site are a relatively common cause of aberrant splicing (PMID: 17576681, 9536098). Algorithms developed to predict the effect of sequence changes on RNA splicing suggest that this variant is not likely to affect RNA splicing. In summary, the available evidence is currently insufficient to determine the role of this variant in disease. Therefore, it has been classified as a Variant of Uncertain Significance.

Literature cited by the submitters: PubMed 17576681; PubMed 9536098.

NM_000094.4(COL7A1):c.7440+4C>T

Gene: COL7A1 (collagen type VII alpha 1 chain; minus strand). Cytogenetic location: 3p21.31.
Variant type: single nucleotide variant.
Coding change: c.7440+4C>T on transcript NM_000094.4 (MANE Select); 4 bases into the intron after coding-DNA position 7440, C replaced by T.
Molecular consequence: intron variant.
Genome position (GRCh38, 1-based): chr3:48,570,271, G>A on the plus strand (C>T on the coding strand, the complement: COL7A1 is on the minus strand). VCF-style: chr3-48570271-G-A. GRCh37 (hg19) VCF-style: chr3-48607704-G-A.
Identifiers: ClinVar variation 3716361 (VCV003716361.2).